The following is an entry in ClinVar:

ClinVar aggregate classification (germline): Conflicting classifications of pathogenicity. Review status: criteria provided, conflicting classifications (1 of 4 stars). 12 submissions from 12 submitters: Uncertain significance (6); Benign (1); Likely benign (3). 2 of the submissions do not count toward it. Last evaluated 2026-01-11.

Conditions:
GRIN2A-related complex neurodevelopmental disorder. Also called: GRIN2A-related condition; GRIN2A-related disorder. Identifiers: MedGen CN379781, MONDO:1060139.
Self-limited epilepsy with centrotemporal spikes. Also called: Childhood epilepsy with centrotemporal spikes; Rolandic epilepsy. Identifiers: Orphanet 1945, MedGen C0376532, MONDO:0007295.
Inborn genetic diseases. Identifiers: MedGen C0950123, MeSH D030342.
Landau-Kleffner syndrome (FESD). Also called: APHASIA, ACQUIRED, WITH EPILEPSY; EPILEPSY, FOCAL, WITH SPEECH DISORDER AND WITH OR WITHOUT MENTAL RETARDATION. Identifiers: Orphanet 1945, Orphanet 725, Orphanet 98818, MedGen C0282512, MONDO:0009509, OMIM 245570.

Allele frequency attached by ClinVar (database versions not stated): ExAC 0.00004; gnomAD 0.00004; gnomAD exomes 0.00004 and 0.00020; TOPMed 0.00006.
gnomAD v4.1: 296 of 1,613,672 alleles (0.018%); highest among the groups gnomAD compares: Non-Finnish European, 0.024%; no homozygotes.

Submissions (12):

Labcorp Genetics (formerly Invitae), Labcorp
Classification: Likely benign for Landau-Kleffner syndrome. Last evaluated: 2026-01-11. Review status: criteria provided, single submitter. Criteria: Invitae Variant Classification Sherloc (09022015). Collection method: clinical testing. Allele origin: germline.

Women's Health and Genetics/Laboratory Corporation of America, LabCorp
Classification: Uncertain significance. Last evaluated: 2024-09-04. Review status: criteria provided, single submitter. Criteria: LabCorp Variant Classification Summary - May 2015. Collection method: clinical testing. Allele origin: germline.
Comment: Variant summary: GRIN2A c.547T>A (p.Phe183Ile) results in a non-conservative amino acid change located in the Receptor, ligand binding region domain (IPR001828) of the encoded protein sequence. Five of five in-silico tools predict a damaging effect of the variant on protein function. The variant allele was found at a frequency of 4.4e-05 in 250794 control chromosomes. This frequency is not significantly higher than estimated for a pathogenic variant in GRIN2A causing Epilepsy, Focal, With Speech Disorder And With Or Without Mental Retardation, allowing no conclusion about variant significance. c.547T>A has been reported in the literature in individuals affected with clinical features of GRIN2A-related conditions (example, Bobboli_2018, Lemke_2013). These report(s) do not provide unequivocal conclusions about association of the variant with GRIN2A-related conditions. At least one publication reports experimental evidence evaluating an impact on protein function. These results showed no damaging effect of this variant (example, Serraz_2016). The following publications have been ascertained in the context of this evaluation (PMID: 29358611, 23933819, 27288002). ClinVar contains an entry for this variant (Variation ID: 129189). Based on the evidence outlined above, the variant was classified as uncertain significance.

Institute for Clinical Genetics, University Hospital TU Dresden, University Hospital TU Dresden
Classification: Uncertain significance. Last evaluated: 2023-05-10. Review status: criteria provided, single submitter. Criteria: ACMG Guidelines, 2015. Collection method: clinical testing. Allele origin: paternal.
Comment: PP3, PP4, PM2_SUP

GeneDx
Classification: Likely benign. Last evaluated: 2023-04-28. Review status: criteria provided, single submitter. Criteria: GeneDx Variant Classification Process June 2021. Collection method: clinical testing. Allele origin: germline. Affected: yes.
Comment: See Variant Classification Assertion Criteria.

CeGaT Center for Human Genetics Tuebingen
Classification: Uncertain significance. Last evaluated: 2023-01-01. Review status: criteria provided, single submitter. Criteria: CeGaT Center For Human Genetics Tuebingen Variant Classification Criteria Version 2. Collection method: clinical testing. Allele origin: germline. Affected: yes. Observed: 1 variant allele.

Revvity Omics, Revvity
Classification: Uncertain significance for Landau-Kleffner syndrome. Last evaluated: 2020-12-10. Review status: criteria provided, single submitter. Criteria: ACMG Guidelines, 2015. Collection method: clinical testing. Allele origin: germline.

Mendelics
Classification: Benign for Landau-Kleffner syndrome. Last evaluated: 2019-05-28. Review status: criteria provided, single submitter. Criteria: Mendelics Assertion Criteria 2017. Collection method: clinical testing. Allele origin: unknown.

Ambry Genetics
Classification: Uncertain significance for Inborn genetic diseases. Last evaluated: 2017-10-27. Review status: criteria provided, single submitter. Criteria: Ambry Variant Classification Scheme 2023. Collection method: clinical testing. Allele origin: germline.
Comment: The p.F183I variant (also known as c.547T>A), located in coding exon 2 of the GRIN2A gene, results from a T to A substitution at nucleotide position 547. The phenylalanine at codon 183 is replaced by isoleucine, an amino acid with highly similar properties. In one study, this variant was detected in an individual with benign epilepsy with centrotemporal spikes (rolandic epilepsy). The variant was not present in the patient's asymptomatic father (mother's variant status unknown) (Lemke JR et al. Nat. Genet., 2013 Sep;45:1067-72). This amino acid position is highly conserved in available vertebrate species. In addition, this alteration is predicted to be deleterious by in silico analysis. Since supporting evidence is limited at this time, the clinical significance of this variant remains unclear.

Athena Diagnostics
Classification: Uncertain significance. Last evaluated: 2017-09-18. Review status: criteria provided, single submitter. Criteria: Athena Diagnostics Criteria. Collection method: clinical testing. Allele origin: germline.

Genetic Services Laboratory, University of Chicago
Classification: Likely benign for AllHighlyPenetrant. Last evaluated: 2013-05-14. Review status: criteria provided, single submitter. Criteria: ACMG Guidelines, 2007. Collection method: clinical testing. Allele origin: germline. Inheritance: Autosomal dominant inheritance.

PreventionGenetics, part of Exact Sciences
Classification: Likely benign for GRIN2A-related condition. Last evaluated: 2024-06-24. Review status: no assertion criteria provided. Collection method: clinical testing. Allele origin: germline. Not counted in ClinVar's aggregate classification.
Comment: This variant is classified as likely benign based on ACMG/AMP sequence variant interpretation guidelines (Richards et al. 2015 PMID: 25741868, with internal and published modifications).

Bioinformatics Core, Luxembourg Center for Systems Biomedicine
Classification: Pathogenic for Self-limited epilepsy with centrotemporal spikes. Last evaluated: 2017-01-01. Review status: no assertion criteria provided. Collection method: case-control. Allele origin: germline. Affected: yes. Study: EUROEPINOMICS COGIE. Not counted in ClinVar's aggregate classification.

Literature cited by the submitters: PubMed 29358611 (cited by Women's Health and Genetics/Laboratory Corporation of America, LabCorp and Bioinformatics Core, Luxembourg Center for Systems Biomedicine); PubMed 23933819 (cited by 3 submitters); PubMed 27288002 (cited by Women's Health and Genetics/Laboratory Corporation of America, LabCorp and Athena Diagnostics); PubMed 25904555 (cited by Athena Diagnostics); PubMed 26601054 (cited by Athena Diagnostics); PubMed 25726841 (cited by Athena Diagnostics).

NM_001134407.3(GRIN2A):c.547T>A (p.Phe183Ile)

Gene: GRIN2A (glutamate ionotropic receptor NMDA type subunit 2A; minus strand). Cytogenetic location: 16p13.2.
Variant type: single nucleotide variant.
Coding change: c.547T>A on transcript NM_001134407.3 (MANE Select); coding-DNA position 547, T replaced by A.
Protein change: p.Phe183Ile; replaces phenylalanine 183 with isoleucine.
Molecular consequence: missense variant.
Genome position (GRCh38, 1-based): chr16:9,938,419, A>T on the plus strand (T>A on the coding strand, the complement: GRIN2A is on the minus strand). VCF-style: chr16-9938419-A-T. GRCh37 (hg19) VCF-style: chr16-10032276-A-T.
Other names: c.547T>A, p.Phe183Ile (NM_000833.5, NM_001134408.2); short protein forms F183I.
Identifiers: ClinVar variation 129189 (VCV000129189.52), dbSNP rs587780353, ClinGen allele CA153033.
Genomic context (GRCh38, chr16:9,938,419, plus strand): 5'-CATTCTGCATGTCCCAGCCCACAAAGCTGTTGTCCACTGTGGTCTTGACGAAGCTGATGA[A>T]TTCCCTGTAGCCAGGGAAGATAGTGGTCACCAGGGAGAAGACATGCCAGTCATAATCCTG-3'
Protein context (NP_001127879.1, residues 173-193): VTTIFPGYRE[Phe183Ile]ISFVKTTVDN